The following is an entry in ClinVar:

NM_019892.6(INPP5E):c.473del (p.Gly158fs)

Gene: INPP5E (inositol polyphosphate-5-phosphatase E; minus strand). Cytogenetic location: 9q34.3.
Variant type: Deletion.
Coding change: c.473del on transcript NM_019892.6 (MANE Select); coding-DNA position 473, one base deleted (G; older notation c.473delG).
Protein change: p.Gly158fs; shifts the reading frame from glycine 158.
Molecular consequence: frameshift variant.
Genome position (GRCh38, 1-based): chr9:136,438,947, C deleted on the plus strand (G on the coding strand, the reverse complement: INPP5E is on the minus strand); the first of 6 consecutive C bases (chr9:136,438,947-136,438,952); deleting any one gives the same sequence. VCF-style (leftmost placement, unchanged base first): chr9-136438946-AC-A. GRCh37 (hg19) VCF-style: chr9-139333398-AC-A.
Other names: c.473del, p.Gly158fs (NM_001318502.2); c.473del (NM_019892.4); c.473delG (NM_019892.5); short protein forms G158fs.
Identifiers: ClinVar variation 451128 (VCV000451128.16), dbSNP rs779450345, ClinGen allele CA645555011.
Genomic context (GRCh38, chr9:136,438,946, plus strand): 5'-CACGGCGGCGTCTCTGTGCGGGAGGTTCGGGGAGCTGCTGGCCACCCCAGAGAGAGGGTT[AC>A]CCCCCGAGGACGGGCTCCCTCTCTCACTGCTCAGGACCCCGCGGGACTTGGGGATTTCCT-3'

ClinVar aggregate classification (germline): Pathogenic/Likely pathogenic. Review status: criteria provided, multiple submitters, no conflicts (2 of 4 stars). 6 submissions from 6 submitters: Pathogenic (3); Likely pathogenic (3). Last evaluated 2025-05-13.

Conditions:
INPP5E-related disorder. Also called: INPP5E-related condition.
Joubert syndrome and related disorders. Identifiers: Orphanet 140874, MedGen C5679612, MONDO:0015369.
Joubert syndrome. Also called: JOUBERT-BOLTSHAUSER SYNDROME; Familial aplasia of the vermis. Identifiers: Orphanet 475, MedGen C5979921, MONDO:0018772.

Submissions (6):

GeneDx
Classification: Likely pathogenic. Last evaluated: 2025-05-13. Review status: criteria provided, single submitter. Criteria: GeneDx Variant Classification Process June 2021. Collection method: clinical testing. Allele origin: germline. Affected: yes.
Comment: Reported previously in a patient with Joubert syndrome who harbored another INPP5E variant; phase not determined (PMID: 28125082); Frameshift variant predicted to result in protein truncation or nonsense mediated decay in a gene for which loss of function is a known mechanism of disease; Not observed at significant frequency in large population cohorts (gnomAD); This variant is associated with the following publications: (PMID: 28125082)

PreventionGenetics, part of Exact Sciences
Classification: Likely pathogenic for INPP5E-related condition. Last evaluated: 2025-03-15. Review status: criteria provided, single submitter. Criteria: ACMG Guidelines, 2015. Collection method: clinical testing. Allele origin: germline.
Comment: The INPP5E c.473delG variant is predicted to result in a frameshift and premature protein termination (p.Gly158Valfs*40). This variant was reported in the compound heterozygous state in an individual with Joubert syndrome (Vilboux et al. 2017. PubMed ID: 28125082). This variant has not been reported in a large population database (gnomAD), indicating this variant is rare. Frameshift variants in INPP5E are expected to be pathogenic. This variant is interpreted as likely pathogenic.

Labcorp Genetics (formerly Invitae), Labcorp
Classification: Pathogenic for Joubert syndrome. Last evaluated: 2024-06-20. Review status: criteria provided, single submitter. Criteria: Invitae Variant Classification Sherloc (09022015). Collection method: clinical testing. Allele origin: germline.
Comment: This sequence change creates a premature translational stop signal (p.Gly158Valfs*40) in the INPP5E gene. It is expected to result in an absent or disrupted protein product. Loss-of-function variants in INPP5E are known to be pathogenic (PMID: 19668216, 23034536, 23386033, 28125082). This variant is not present in population databases (gnomAD no frequency). This premature translational stop signal has been observed in individual(s) with Joubert syndrome (PMID: 28125082). ClinVar contains an entry for this variant (Variation ID: 451128). For these reasons, this variant has been classified as Pathogenic.

Greenwood Genetic Center Diagnostic Laboratories, Greenwood Genetic Center
Classification: Pathogenic for INPP5E-related disorder. Last evaluated: 2023-11-21. Review status: criteria provided, single submitter. Criteria: ACMG Guidelines, 2015. Collection method: clinical testing. Allele origin: germline. Affected: yes.
Comment: PVS1, PM2, PM3

Women's Health and Genetics/Laboratory Corporation of America, LabCorp
Classification: Pathogenic for Joubert syndrome and related disorders. Last evaluated: 2023-07-31. Review status: criteria provided, single submitter. Criteria: LabCorp Variant Classification Summary - May 2015. Collection method: clinical testing. Allele origin: germline.
Comment: Variant summary: INPP5E c.473delG (p.Gly158ValfsX40) results in a premature termination codon, predicted to cause absence of the protein due to nonsense mediated decay, a commonly known mechanism for disease. The variant was absent in 170072 control chromosomes (gnomAD). c.473delG has been reported in the literature at least one individual affected with Joubert Syndrome (e.g. Vilboux_2017). To our knowledge, no experimental evidence demonstrating an impact on protein function has been reported. The following publication has been ascertained in the context of this evaluation (PMID: 28125082). Three submitters have cited clinical-significance assessments for this variant to ClinVar after 2014 and all classified the variant as pathogenic/likely pathogenic. Based on the evidence outlined above, the variant was classified as pathogenic.

Blueprint Genetics
Classification: Likely pathogenic for INPP5E-related disorders. Last evaluated: 2021-07-21. Review status: criteria provided, single submitter. Criteria: ACMG Guidelines, 2015. Collection method: clinical testing. Allele origin: germline. Affected: yes. Observed: 3 variant alleles.

Literature cited by the submitters: PubMed 19668216 (cited by Labcorp Genetics (formerly Invitae), Labcorp); PubMed 23034536 (cited by Labcorp Genetics (formerly Invitae), Labcorp); PubMed 23386033 (cited by Labcorp Genetics (formerly Invitae), Labcorp); PubMed 28125082 (cited by Labcorp Genetics (formerly Invitae), Labcorp and Women's Health and Genetics/Laboratory Corporation of America, LabCorp).